The following is an entry in ClinVar:

ClinVar aggregate classification (germline): Likely benign (1 of 4 stars; one submission).

gnomAD v4.1: 8 of 1,396,288 alleles (0.00057%); highest among the groups gnomAD compares: Admixed American, 0.0051%; 1 homozygote.

Submission:

Mayo Clinic Laboratories, Mayo Clinic
Classification: Likely benign. Last evaluated: 2025-06-26. Review status: criteria provided, single submitter. Criteria: ACMG Guidelines, 2015. Collection method: clinical testing. Allele origin: germline. Observed: 1 variant allele.
Comment: BP4, BP7

NM_001142864.4(PIEZO1):c.24G>T (p.Ala8=)

Gene: PIEZO1 (piezo type mechanosensitive ion channel component 1 (Er blood group); minus strand). Cytogenetic location: 16q24.3.
Variant type: single nucleotide variant.
Coding change: c.24G>T on transcript NM_001142864.4 (MANE Select); coding-DNA position 24, G replaced by T.
Protein change: p.Ala8=; no amino-acid change (alanine 8 retained).
Molecular consequence: synonymous variant.
Genome position (GRCh38, 1-based): chr16:88,784,941, C>A on the plus strand (G>T on the coding strand, the complement: PIEZO1 is on the minus strand). VCF-style: chr16-88784941-C-A. GRCh37 (hg19) VCF-style: chr16-88851349-C-A.
Other names: p.Ala8=.
Identifiers: ClinVar variation 4684163 (VCV004684163.1).